The following is an entry in ClinVar:

ClinVar aggregate classification (germline): Uncertain significance. Review status: criteria provided, multiple submitters, no conflicts (2 of 4 stars). 3 submissions from 3 submitters: Uncertain significance (3). Last evaluated 2026-02-01.

Conditions:
Inborn genetic diseases. Identifiers: MedGen C0950123, MeSH D030342.

Allele frequency attached by ClinVar (database versions not stated): gnomAD exomes below 0.00001; TOPMed 0.00001.
gnomAD v4.1: 1 of 1,614,200 alleles (0.000062%); highest among the groups gnomAD compares: Non-Finnish European, 0.000085%; no homozygotes.

Submissions (3):

CeGaT Center for Human Genetics Tuebingen
Classification: Uncertain significance. Last evaluated: 2026-02-01. Review status: criteria provided, single submitter. Criteria: CeGaT Center For Human Genetics Tuebingen Variant Classification Criteria Version 2. Collection method: clinical testing. Allele origin: germline. Affected: yes. Observed: 1 variant allele.

GeneDx
Classification: Uncertain significance. Last evaluated: 2025-01-24. Review status: criteria provided, single submitter. Criteria: GeneDx Variant Classification Process June 2021. Collection method: clinical testing. Allele origin: germline. Affected: yes.
Comment: Not observed at significant frequency in large population cohorts (gnomAD); In silico analysis indicates that this missense variant does not alter protein structure/function; Has not been previously published as pathogenic or benign to our knowledge

Ambry Genetics
Classification: Uncertain significance for Inborn genetic diseases. Last evaluated: 2023-11-06. Review status: criteria provided, single submitter. Criteria: Ambry Variant Classification Scheme 2023. Collection method: clinical testing. Allele origin: germline.

NM_005121.3(MED13):c.233G>A (p.Arg78Lys)

Gene: MED13 (mediator complex subunit 13; minus strand). Cytogenetic location: 17q23.2.
Variant type: single nucleotide variant.
Coding change: c.233G>A on transcript NM_005121.3 (MANE Select); coding-DNA position 233, G replaced by A.
Protein change: p.Arg78Lys; replaces arginine 78 with lysine.
Molecular consequence: missense variant.
Genome position (GRCh38, 1-based): chr17:62,063,135, C>T on the plus strand (G>A on the coding strand, the complement: MED13 is on the minus strand). VCF-style: chr17-62063135-C-T. GRCh37 (hg19) VCF-style: chr17-60140496-C-T.
Other names: short protein forms R78K.
Identifiers: ClinVar variation 3124905 (VCV003124905.6), dbSNP rs981784968, ClinGen allele CA292865909.